The following is an entry in ClinVar:

NM_000246.4(CIITA):c.170C>A (p.Ala57Asp)

Gene: CIITA (class II major histocompatibility complex transactivator; plus strand). Cytogenetic location: 16p13.13.
Variant type: single nucleotide variant.
Coding change: c.170C>A on transcript NM_000246.4 (MANE Select); coding-DNA position 170, C replaced by A.
Protein change: p.Ala57Asp; replaces alanine 57 with aspartic acid.
Molecular consequence: missense variant. On other transcripts: non-coding transcript variant (1).
Genome position (GRCh38, 1-based): chr16:10,895,399, C>A. VCF-style: chr16-10895399-C-A. GRCh37 (hg19) VCF-style: chr16-10989256-C-A.
Other names: c.170C>A, p.Ala57Asp (NM_001286402.1, NM_001286403.2, NM_001379330.1 and 3 more transcripts); c.98C>A, p.Ala33Asp (NM_001379334.1); short protein forms A57D, A33D.
Identifiers: ClinVar variation 528781 (VCV000528781.9), dbSNP rs1555500356, ClinGen allele CA394725903.
Genomic context (GRCh38, chr16:10,895,399, plus strand): 5'-TTCTTAACAGCGATGCTGACCCCCTGTGCCTCTACCACTTCTATGACCAGATGGACCTGG[C>A]TGGAGAAGAAGAGATTGAGCTCTACTCAGGTGGGCCCTCCTCCCTCTGGTCTCTTCCGGT-3'
Protein context (NP_000237.2, residues 47-67): LYHFYDQMDL[Ala57Asp]GEEEIELYSE

ClinVar aggregate classification (germline): Conflicting classifications of pathogenicity. Review status: criteria provided, conflicting classifications (1 of 4 stars). 4 submissions from 4 submitters: Likely pathogenic (1); Uncertain significance (2). 1 of the submissions does not count toward it. Last evaluated 2024-02-16.

Conditions:
MHC class II deficiency. Also called: Bare lymphocyte syndrome 2; BLS, TYPE II. Identifiers: Orphanet 572, MedGen C5447452, MONDO:0008855.
Rheumatoid arthritis (RA). Also called: RHEUMATOID ARTHRITIS, SUSCEPTIBILITY TO. Identifiers: MedGen C0003873, MONDO:0008383, OMIM 180300, HP:0001370.

Allele frequency attached by ClinVar (database versions not stated): gnomAD exomes below 0.00001; TOPMed below 0.00001; gnomAD 0.00001.
gnomAD v4.1: 2 of 1,613,916 alleles (0.00012%); highest among the groups gnomAD compares: Admixed American, 0.0033%; no homozygotes.

Submissions (4):

Blueprint Genetics
Classification: Uncertain significance. Last evaluated: 2024-02-16. Review status: criteria provided, single submitter. Criteria: ACMG Guidelines, 2015. Collection method: clinical testing. Allele origin: germline.

Mendelics
Classification: Likely pathogenic for Rheumatoid arthritis. Last evaluated: 2022-05-04. Review status: criteria provided, single submitter. Criteria: Mendelics Assertion Criteria 2019. Collection method: clinical testing. Allele origin: germline.

Labcorp Genetics (formerly Invitae), Labcorp
Classification: Uncertain significance for MHC class II deficiency. Last evaluated: 2021-08-30. Review status: criteria provided, single submitter. Criteria: Invitae Variant Classification Sherloc (09022015). Collection method: clinical testing. Allele origin: germline.
Comment: This sequence change replaces alanine with aspartic acid at codon 57 of the CIITA protein (p.Ala57Asp). The alanine residue is moderately conserved and there is a moderate physicochemical difference between alanine and aspartic acid. This variant is not present in population databases (ExAC no frequency). This variant has not been reported in the literature in individuals affected with CIITA-related conditions. Algorithms developed to predict the effect of missense changes on protein structure and function are either unavailable or do not agree on the potential impact of this missense change (SIFT: "Deleterious"; PolyPhen-2: "Benign"; Align-GVGD: "Class C0"). In summary, the available evidence is currently insufficient to determine the role of this variant in disease. Therefore, it has been classified as a Variant of Uncertain Significance.

Natera, Inc.
Classification: Uncertain significance for Bare lymphocyte syndrome type II. Last evaluated: 2020-09-16. Review status: no assertion criteria provided. Collection method: clinical testing. Allele origin: germline. Not counted in ClinVar's aggregate classification.